The following is an entry in ClinVar:

ClinVar aggregate classification (germline): Uncertain significance (1 of 4 stars; one submission).

Conditions:
Norman-Roberts syndrome (LIS2). Also called: Lissencephaly 2 (Norman-Roberts type). Identifiers: Orphanet 89844, MedGen C0796089, MONDO:0009760, OMIM 257320.
Familial temporal lobe epilepsy 7. Identifiers: Orphanet 101046, MedGen C4225327, MONDO:0014639, OMIM 616436.

Allele frequency attached by ClinVar (database versions not stated): TOPMed 0.00002.
gnomAD v4.1: 20 of 1,614,012 alleles (0.0012%); highest among the groups gnomAD compares: Non-Finnish European, 0.0016%; no homozygotes.

Submission:

Labcorp Genetics (formerly Invitae), Labcorp
Classification: Uncertain significance for Familial temporal lobe epilepsy 7; Norman-Roberts syndrome. Last evaluated: 2025-09-21. Review status: criteria provided, single submitter. Criteria: Invitae Variant Classification Sherloc (09022015). Collection method: clinical testing. Allele origin: germline.
Comment: This sequence change replaces leucine, which is neutral and non-polar, with methionine, which is neutral and non-polar, at codon 3058 of the RELN protein (p.Leu3058Met). This variant is present in population databases (no rsID available, gnomAD 0.0009%). This variant has not been reported in the literature in individuals affected with RELN-related conditions. ClinVar contains an entry for this variant (Variation ID: 967601). Invitae Evidence Modeling of protein sequence and biophysical properties (such as structural, functional, and spatial information, amino acid conservation, physicochemical variation, residue mobility, and thermodynamic stability) indicates that this missense variant is not expected to disrupt RELN protein function with a negative predictive value of 80%. In summary, the available evidence is currently insufficient to determine the role of this variant in disease. Therefore, it has been classified as a Variant of Uncertain Significance.

NM_005045.4(RELN):c.9172T>A (p.Leu3058Met)

Genes: RELN (reelin; minus strand), SLC26A5-AS1 (SLC26A5 antisense RNA 1; plus strand). Cytogenetic location: 7q22.1.
Variant type: single nucleotide variant.
Coding change: c.9172T>A on transcript NM_005045.4 (MANE Select); coding-DNA position 9172, T replaced by A.
Protein change: p.Leu3058Met; replaces leucine 3058 with methionine.
Molecular consequence: missense variant.
Genome position (GRCh38, 1-based): chr7:103,496,547, A>T on the plus strand (T>A on the coding strand, the complement: RELN is on the minus strand). VCF-style: chr7-103496547-A-T. GRCh37 (hg19) VCF-style: chr7-103136994-A-T.
Other names: c.9172T>A, p.Leu3058Met (NM_173054.3); short protein forms L3058M.
Identifiers: ClinVar variation 967601 (VCV000967601.9), dbSNP rs2286261, ClinGen allele CA368750712.